The following is an entry in ClinVar:

NM_024757.5(EHMT1):c.2143C>T (p.Pro715Ser)

Gene: EHMT1 (euchromatic histone lysine methyltransferase 1; plus strand). Cytogenetic location: 9q34.3.
Variant type: single nucleotide variant.
Coding change: c.2143C>T on transcript NM_024757.5 (MANE Select); coding-DNA position 2143, C replaced by T.
Protein change: p.Pro715Ser; replaces proline 715 with serine.
Molecular consequence: missense variant.
Genome position (GRCh38, 1-based): chr9:137,778,006, C>T. VCF-style: chr9-137778006-C-T. GRCh37 (hg19) VCF-style: chr9-140672458-C-T.
Other names: c.2143C>T, p.Pro715Ser (NM_001145527.2); c.2050C>T, p.Pro684Ser (NM_001354259.2); c.2122C>T, p.Pro708Ser (NM_001354263.2); short protein forms P684S, P708S, P715S.
Identifiers: ClinVar variation 3389297 (VCV003389297.15).

ClinVar aggregate classification (germline): Uncertain significance. Review status: criteria provided, multiple submitters, no conflicts (2 of 4 stars). 2 submissions from 2 submitters: Uncertain significance (2). Last evaluated 2025-07-30.

Conditions:
Kleefstra syndrome 1 (KLEFS1). Identifiers: Orphanet 261494, MedGen C0795833, MONDO:0027407, OMIM 610253.

Submissions (2):

Labcorp Genetics (formerly Invitae), Labcorp
Classification: Uncertain significance for Kleefstra syndrome 1. Last evaluated: 2025-07-30. Review status: criteria provided, single submitter. Criteria: Invitae Variant Classification Sherloc (09022015). Collection method: clinical testing. Allele origin: germline.
Comment: This sequence change replaces proline, which is neutral and non-polar, with serine, which is neutral and polar, at codon 715 of the EHMT1 protein (p.Pro715Ser). This variant is not present in population databases (gnomAD no frequency). This variant has not been reported in the literature in individuals affected with EHMT1-related conditions. ClinVar contains an entry for this variant (Variation ID: 3389297). Invitae Evidence Modeling of protein sequence and biophysical properties (such as structural, functional, and spatial information, amino acid conservation, physicochemical variation, residue mobility, and thermodynamic stability) indicates that this missense variant is not expected to disrupt EHMT1 protein function with a negative predictive value of 80%. In summary, the available evidence is currently insufficient to determine the role of this variant in disease. Therefore, it has been classified as a Variant of Uncertain Significance.

CeGaT Center for Human Genetics Tuebingen
Classification: Uncertain significance. Last evaluated: 2024-11-01. Review status: criteria provided, single submitter. Criteria: CeGaT Center For Human Genetics Tuebingen Variant Classification Criteria Version 2. Collection method: clinical testing. Allele origin: germline. Affected: yes. Observed: 1 variant allele.
Comment: EHMT1: PM2